The following is an entry in ClinVar:

NM_006379.5(SEMA3C):c.1410C>A (p.Gly470=)

Gene: SEMA3C (semaphorin 3C; minus strand). Cytogenetic location: 7q21.11.
Variant type: single nucleotide variant.
Coding change: c.1410C>A on transcript NM_006379.5 (MANE Select); coding-DNA position 1410, C replaced by A.
Protein change: p.Gly470=; no amino-acid change (glycine 470 retained).
Molecular consequence: synonymous variant.
Genome position (GRCh38, 1-based): chr7:80,765,188, G>T on the plus strand (C>A on the coding strand, the complement: SEMA3C is on the minus strand). VCF-style: chr7-80765188-G-T. GRCh37 (hg19) VCF-style: chr7-80394504-G-T.
Other names: c.1464C>A, p.Gly488= (NM_001350120.2); c.1236C>A, p.Gly412= (NM_001350121.2).
Identifiers: ClinVar variation 4997446 (VCV004997446.1).

ClinVar aggregate classification (germline): Likely benign (1 of 4 stars; one submission).

Conditions:
SEMA3C-related disorder. Also called: SEMA3C-related condition.

gnomAD v4.1: 8 of 1,613,488 alleles (0.0005%); highest among the groups gnomAD compares: Non-Finnish European, 0.00059%; no homozygotes.

Submission:

PreventionGenetics, part of Exact Sciences
Classification: Likely benign for SEMA3C-related condition. Last evaluated: 2026-08-20. Review status: criteria provided, single submitter. Criteria: ACMG Guidelines, 2015. Collection method: clinical testing. Allele origin: germline.
Comment: This variant is classified as likely benign based on ACMG/AMP sequence variant interpretation guidelines (Richards et al. 2015 PMID: 25741868, with internal and published modifications).